The following is an entry in ClinVar:

ClinVar aggregate classification (germline): Uncertain significance. Review status: criteria provided, multiple submitters, no conflicts (2 of 4 stars). 2 submissions from 2 submitters: Uncertain significance (2). Last evaluated 2022-10-03.

Conditions:
Autosomal recessive limb-girdle muscular dystrophy. Identifiers: Orphanet 102015, MedGen C2931907, MONDO:0015152.
Autosomal recessive limb-girdle muscular dystrophy type R18 (LGMDR18). Also called: Limb-girdle muscular dystrophy, type 2S; MUSCULAR DYSTROPHY, LIMB-GIRDLE, AUTOSOMAL RECESSIVE 18; Autosomal recessive limb-girdle muscular dystrophy type 2S. Identifiers: Orphanet 369840, MedGen C4517996, MONDO:0014144, OMIM 615356.

Allele frequency attached by ClinVar (database versions not stated): gnomAD 0.00003; TOPMed 0.00003.
gnomAD v4.1: 22 of 1,591,022 alleles (0.0014%); highest among the groups gnomAD compares: Non-Finnish European, 0.0019%; no homozygotes.

Submissions (2):

Department of Pathology and Laboratory Medicine, Sinai Health System
Classification: Uncertain significance for autosomal recessive limb-girdle muscular dystrophy. Last evaluated: 2022-10-03. Review status: criteria provided, single submitter. Criteria: ACMG Guidelines, 2015. Collection method: research. Allele origin: germline.

Labcorp Genetics (formerly Invitae), Labcorp
Classification: Uncertain significance for Autosomal recessive limb-girdle muscular dystrophy type R18. Last evaluated: 2022-06-21. Review status: criteria provided, single submitter. Criteria: Invitae Variant Classification Sherloc (09022015). Collection method: clinical testing. Allele origin: germline.
Comment: ClinVar contains an entry for this variant (Variation ID: 1002777). This sequence change falls in intron 19 of the TRAPPC11 gene. It does not directly change the encoded amino acid sequence of the TRAPPC11 protein. It affects a nucleotide within the consensus splice site. This variant is present in population databases (rs768168477, gnomAD 0.007%). This variant has not been reported in the literature in individuals affected with TRAPPC11-related conditions. Variants that disrupt the consensus splice site are a relatively common cause of aberrant splicing (PMID: 17576681, 9536098). Algorithms developed to predict the effect of sequence changes on RNA splicing suggest that this variant is not likely to affect RNA splicing. In summary, the available evidence is currently insufficient to determine the role of this variant in disease. Therefore, it has been classified as a Variant of Uncertain Significance.

Literature cited by the submitters: PubMed 17576681 (cited by Labcorp Genetics (formerly Invitae), Labcorp); PubMed 9536098 (cited by Labcorp Genetics (formerly Invitae), Labcorp).

NM_021942.6(TRAPPC11):c.2050-3T>C

Gene: TRAPPC11 (trafficking protein particle complex subunit 11; plus strand). Cytogenetic location: 4q35.1.
Variant type: single nucleotide variant.
Coding change: c.2050-3T>C on transcript NM_021942.6 (MANE Select); 3 bases into the intron before coding-DNA position 2050, T replaced by C.
Molecular consequence: intron variant.
Genome position (GRCh38, 1-based): chr4:183,692,957, T>C. VCF-style: chr4-183692957-T-C. GRCh37 (hg19) VCF-style: chr4-184614110-T-C.
Other names: c.2050-3T>C (NM_199053.3).
Identifiers: ClinVar variation 1002777 (VCV001002777.9), dbSNP rs768168477, ClinGen allele CA111857858.